The following is an entry in ClinVar:

NM_001083926.2(ASRGL1):c.56G>T (p.Arg19Leu)

Gene: ASRGL1 (asparaginase and isoaspartyl peptidase 1; plus strand). Cytogenetic location: 11q12.3.
Variant type: single nucleotide variant.
Coding change: c.56G>T on transcript NM_001083926.2 (MANE Select); coding-DNA position 56, G replaced by T.
Protein change: p.Arg19Leu; replaces arginine 19 with leucine.
Molecular consequence: missense variant.
Genome position (GRCh38, 1-based): chr11:62,338,033, G>T. VCF-style: chr11-62338033-G-T. GRCh37 (hg19) VCF-style: chr11-62105505-G-T.
Other names: c.56G>T, p.Arg19Leu (NM_025080.4); short protein forms R19L.
Identifiers: ClinVar variation 2699113 (VCV002699113.3), dbSNP rs994536412, ClinGen allele CA380863313.

ClinVar aggregate classification (germline): Uncertain significance (1 of 4 stars; one submission).

Submission:

Labcorp Genetics (formerly Invitae), Labcorp
Classification: Uncertain significance. Last evaluated: 2023-11-25. Review status: criteria provided, single submitter. Criteria: Invitae Variant Classification Sherloc (09022015). Collection method: clinical testing. Allele origin: germline.
Comment: This sequence change replaces arginine, which is basic and polar, with leucine, which is neutral and non-polar, at codon 19 of the ASRGL1 protein (p.Arg19Leu). This variant is not present in population databases (gnomAD no frequency). This variant has not been reported in the literature in individuals affected with ASRGL1-related conditions. An algorithm developed to predict the effect of missense changes on protein structure and function (PolyPhen-2) suggests that this variant is likely to be tolerated. In summary, the available evidence is currently insufficient to determine the role of this variant in disease. Therefore, it has been classified as a Variant of Uncertain Significance.